The following is an entry in ClinVar:

ClinVar aggregate classification (germline): Uncertain significance (1 of 4 stars; one submission).

Conditions:
Hyperaldosteronism, familial, type IV (HALD4). Also called: FH IV; ALDOSTERONISM, PRIMARY, AND HYPERTENSION. Identifiers: Orphanet 642671, MedGen C4310756, MONDO:0014875, OMIM 617027.
Idiopathic generalized epilepsy. Also called: EIG; Generalised epilepsy. Identifiers: MedGen C0270850, MONDO:0005579, OMIM 600669.

Submission:

Labcorp Genetics (formerly Invitae), Labcorp
Classification: Uncertain significance for Idiopathic generalized epilepsy; Hyperaldosteronism, familial, type IV. Last evaluated: 2025-06-03. Review status: criteria provided, single submitter. Criteria: Invitae Variant Classification Sherloc (09022015). Collection method: clinical testing. Allele origin: germline.
Comment: This sequence change replaces serine, which is neutral and polar, with threonine, which is neutral and polar, at codon 601 of the CACNA1H protein (p.Ser601Thr). This variant is not present in population databases (gnomAD no frequency). This variant has not been reported in the literature in individuals affected with CACNA1H-related conditions. Invitae Evidence Modeling of protein sequence and biophysical properties (such as structural, functional, and spatial information, amino acid conservation, physicochemical variation, residue mobility, and thermodynamic stability) indicates that this missense variant is not expected to disrupt CACNA1H protein function with a negative predictive value of 80%. In summary, the available evidence is currently insufficient to determine the role of this variant in disease. Therefore, it has been classified as a Variant of Uncertain Significance.

NM_021098.3(CACNA1H):c.1802G>C (p.Ser601Thr)

Gene: CACNA1H (calcium voltage-gated channel subunit alpha1 H; plus strand). Cytogenetic location: 16p13.3.
Variant type: single nucleotide variant.
Coding change: c.1802G>C on transcript NM_021098.3 (MANE Select); coding-DNA position 1802, G replaced by C.
Protein change: p.Ser601Thr; replaces serine 601 with threonine.
Molecular consequence: missense variant.
Genome position (GRCh38, 1-based): chr16:1,202,252, G>C. VCF-style: chr16-1202252-G-C. GRCh37 (hg19) VCF-style: chr16-1252252-G-C.
Other names: c.1802G>C, p.Ser601Thr (NM_001005407.2); short protein forms S601T.
Identifiers: ClinVar variation 4784520 (VCV004784520.1).